The following is an entry in ClinVar:

ClinVar aggregate classification (germline): Pathogenic/Likely pathogenic. Review status: criteria provided, multiple submitters, no conflicts (2 of 4 stars). 2 submissions from 2 submitters: Pathogenic (1); Likely pathogenic (1). Last evaluated 2023-07-07.

Conditions:
Pitt-Hopkins syndrome (PTHS). Also called: ENCEPHALOPATHY, SEVERE EPILEPTIC, WITH AUTONOMIC DYSFUNCTION; MENTAL RETARDATION, SYNDROMAL, WITH INTERMITTENT HYPERVENTILATION. Identifiers: Orphanet 2896, MedGen C1970431, MONDO:0012589, OMIM 610954.

Submissions (2):

3billion
Classification: Pathogenic for Pitt-Hopkins syndrome. Last evaluated: 2023-07-07. Review status: criteria provided, single submitter. Criteria: ACMG Guidelines, 2015. Collection method: clinical testing. Allele origin: germline. Affected: yes.
Comment: The variant is not observed in the gnomAD v2.1.1 dataset. Predicted Consequence/Location: Frameshift: predicted to result in a loss or disruption of normal protein function through nonsense-mediated decay (NMD) or protein truncation. Multiple pathogenic variants are reported downstream of the variant. The variant has been reported to be associated with TCF4 related disorder (ClinVar ID: VCV000504426). Therefore, this variant is classified as Pathogenic according to the recommendation of ACMG/AMP guideline.

GeneDx
Classification: Likely pathogenic. Last evaluated: 2018-02-26. Review status: criteria provided, single submitter. Criteria: GeneDx Variant Classification (06012015). Collection method: clinical testing. Allele origin: germline. Affected: yes.
Comment: A variant that is likely pathogenic has been identified in the TCF4 gene. The c.1726delC variant has not been published as a pathogenic variant, nor has it been reported as a benign variant to our knowledge. The c.1726delC variant causes a frameshift starting with codon Arginine 576, changes this amino acid to a Glutamic acid residue, and creates a premature Stop codon at position 34 of the new reading frame, denoted p.Arg576GlufsX34. This variant is predicted to cause loss of normal protein function through protein truncation. Furthermore, the c.1726delC variant is not observed in large population cohorts (Lek et al., 2016). Therefore, this variant is likely pathogenic; however, the possibility that it is benign cannot be excluded.

NM_001083962.2(TCF4):c.1726del (p.Arg576fs)

Gene: TCF4 (transcription factor 4; minus strand). Cytogenetic location: 18q21.2.
Variant type: Deletion.
Coding change: c.1726del on transcript NM_001083962.2 (MANE Select); coding-DNA position 1726, one base deleted (C; older notation c.1726delC).
Protein change: p.Arg576fs; shifts the reading frame from arginine 576.
Molecular consequence: frameshift variant.
Genome position (GRCh38, 1-based): chr18:55,229,000, G deleted on the plus strand (C on the coding strand, the reverse complement: TCF4 is on the minus strand); the first of 3 consecutive G bases (chr18:55,229,000-55,229,002); deleting any one gives the same sequence. VCF-style (leftmost placement, unchanged base first): chr18-55228999-CG-C. GRCh37 (hg19) VCF-style: chr18-52896230-CG-C.
Other names: c.2032del, p.Arg678fs (NM_001243226.3); c.1654del, p.Arg552fs (NM_001243227.2, NM_001348217.1, NM_001348218.2 and 1 more transcripts); c.1744del, p.Arg582fs (NM_001243228.2); c.1705del, p.Arg569fs (NM_001243230.2); c.1588del, p.Arg530fs (NM_001243231.2); c.1513del, p.Arg505fs (NM_001243232.1); c.1324del, p.Arg442fs (NM_001243233.2, NM_001348212.2); c.1246del, p.Arg416fs (NM_001243234.2, NM_001348216.2); and 14 more; short protein forms R412fs, R501fs, R552fs, R572fs, R575fs, R582fs, R411fs, R505fs.
Identifiers: ClinVar variation 504426 (VCV000504426.3), dbSNP rs1555710757, ClinGen allele CA658799067.